The following is an entry in ClinVar:

ClinVar aggregate classification (germline): Benign. Review status: criteria provided, multiple submitters, no conflicts (2 of 4 stars). 11 submissions from 11 submitters: Benign (11). Last evaluated 2026-02-04.

Conditions:
Cardiovascular phenotype. Identifiers: MedGen CN230736.
Brugada syndrome 8 (BRGDA8). Identifiers: Orphanet 130, MedGen C2751083, MONDO:0013148, OMIM 613123.
Sick sinus syndrome 2, autosomal dominant (SSS2). Also called: SICK SINUS SYNDROME 2; SICK SINUS SYNDROME 2 WITH OR WITHOUT CARDIAC NONCOMPACTION AND/OR ASCENDING AORTA DILATION; ATRIAL FIBRILLATION WITH BRADYARRHYTHMIA; SINUS BRADYCARDIA SYNDROME, FAMILIAL, AUTOSOMAL DOMINANT; SINUS NODE DISEASE, FAMILIAL, AUTOSOMAL DOMINANT. Identifiers: Orphanet 166282, MedGen C1834144, MONDO:0008102, OMIM 163800.

Allele frequency attached by ClinVar (database versions not stated): ESP Exome Variant Server 0.00038; gnomAD exomes 0.00546; TOPMed 0.01025; gnomAD 0.01108; 1000 Genomes Project 0.02596; 1000 Genomes Project 30x 0.02655.

Submissions (11):

Labcorp Genetics (formerly Invitae), Labcorp
Classification: Benign for Brugada syndrome 8. Last evaluated: 2026-02-04. Review status: criteria provided, single submitter. Criteria: Invitae Variant Classification Sherloc (09022015). Collection method: clinical testing. Allele origin: germline.

Molecular Diagnostic Laboratory for Inherited Cardiovascular Disease, Montreal Heart Institute
Classification: Benign. Last evaluated: 2025-04-09. Review status: criteria provided, single submitter. Criteria: ACMG Guidelines, 2015. Collection method: clinical testing. Allele origin: germline. Affected: no.

Blueprint Genetics
Classification: Benign. Last evaluated: 2024-11-26. Review status: criteria provided, single submitter. Criteria: ACMG Guidelines, 2015. Collection method: clinical testing. Allele origin: germline.

Women's Health and Genetics/Laboratory Corporation of America, LabCorp
Classification: Benign. Last evaluated: 2024-03-11. Review status: criteria provided, single submitter. Criteria: LabCorp Variant Classification Summary - May 2015. Collection method: clinical testing. Allele origin: germline.

Mayo Clinic Laboratories, Mayo Clinic
Classification: Benign. Last evaluated: 2023-04-14. Review status: criteria provided, single submitter. Criteria: ACMG Guidelines, 2015. Collection method: clinical testing. Allele origin: germline. Observed: 9 variant alleles.

Illumina Laboratory Services, Illumina
Classification: Benign for Sick sinus syndrome 2, autosomal dominant. Last evaluated: 2018-01-12. Review status: criteria provided, single submitter. Criteria: ICSL Variant Classification Criteria 13 December 2019. Collection method: clinical testing. Allele origin: germline.
Comment: This variant was observed in the ICSL laboratory as part of a predisposition screen in an ostensibly healthy population. It had not been previously curated by ICSL or reported in the Human Gene Mutation Database (HGMD: prior to June 1st, 2018), and was therefore a candidate for classification through an automated scoring system. Utilizing variant allele frequency, disease prevalence and penetrance estimates, and inheritance mode, an automated score was calculated to assess if this variant is too frequent to cause the disease. Based on the score and internal cut-off values, a variant classified as benign is not then subjected to further curation. The score for this variant resulted in a classification of benign for this disease.

Athena Diagnostics
Classification: Benign. Last evaluated: 2017-07-03. Review status: criteria provided, single submitter. Criteria: Athena Diagnostics Criteria. Collection method: clinical testing. Allele origin: germline.

Ambry Genetics
Classification: Benign for Cardiovascular phenotype. Last evaluated: 2015-08-04. Review status: criteria provided, single submitter. Criteria: Ambry Variant Classification Scheme 2023. Collection method: clinical testing. Allele origin: germline.

Eurofins Ntd Llc (ga)
Classification: Benign. Last evaluated: 2015-05-14. Review status: criteria provided, single submitter. Criteria: EGL Classification Definitions 2015. Collection method: clinical testing. Allele origin: germline. Observed: 1 variant allele, 1 heterozygote.

GeneDx
Classification: Benign. Last evaluated: 2014-01-27. Review status: criteria provided, single submitter. Criteria: GeneDx Variant Classification (06012015). Collection method: clinical testing. Allele origin: germline. Affected: yes.
Comment: This variant is considered likely benign or benign based on one or more of the following criteria: it is a conservative change, it occurs at a poorly conserved position in the protein, it is predicted to be benign by multiple in silico algorithms, and/or has population frequency not consistent with disease.

Breakthrough Genomics
Classification: Benign. Review status: criteria provided, single submitter. Criteria: ACMG Guidelines, 2015. Collection method: not provided. Allele origin: germline. Inheritance: Autosomal dominant inheritance. Affected: yes.

NM_005477.3(HCN4):c.1839C>T (p.Phe613=)

Gene: HCN4 (hyperpolarization activated cyclic nucleotide gated potassium channel 4; minus strand). Cytogenetic location: 15q24.1.
Variant type: single nucleotide variant.
Coding change: c.1839C>T on transcript NM_005477.3 (MANE Select); coding-DNA position 1839, C replaced by T.
Protein change: p.Phe613=; no amino-acid change (phenylalanine 613 retained).
Molecular consequence: synonymous variant.
Genome position (GRCh38, 1-based): chr15:73,325,094, G>A on the plus strand (C>T on the coding strand, the complement: HCN4 is on the minus strand). VCF-style: chr15-73325094-G-A. GRCh37 (hg19) VCF-style: chr15-73617435-G-A.
Other names: p.F613F:TTC>TTT; p.Phe613=.
Identifiers: ClinVar variation 137541 (VCV000137541.28), dbSNP rs117731813, ClinGen allele CA163176.